The following is an entry in ClinVar:

ClinVar aggregate classification (germline): Uncertain significance. Review status: criteria provided, multiple submitters, no conflicts (2 of 4 stars). 3 submissions from 3 submitters: Uncertain significance (3). Last evaluated 2026-06-29.

Conditions:
Dubin-Johnson syndrome (DJS). Also called: Hyperbilirubinemia type 2; Jaundice, Chronic Idiopathic; HYPERBILIRUBINEMIA, DUBIN-JOHNSON TYPE. Identifiers: Orphanet 234, MedGen C0022350, MONDO:0009380, OMIM 237500.
ABCC2-related disorder. Also called: ABCC2-related condition.

Allele frequency attached by ClinVar (database versions not stated): gnomAD exomes below 0.00001 and 0.00001; ExAC 0.00001; gnomAD 0.00001.
gnomAD v4.1: 4 of 1,614,046 alleles (0.00025%); highest among the groups gnomAD compares: East Asian, 0.0089%; no homozygotes.

Submissions (3):

PreventionGenetics, part of Exact Sciences
Classification: Uncertain significance for ABCC2-related condition. Last evaluated: 2026-06-29. Review status: criteria provided, single submitter. Criteria: ACMG Guidelines, 2015. Collection method: clinical testing. Allele origin: germline.
Comment: The ABCC2 c.2201T>C variant is predicted to result in the amino acid substitution p.Leu734Pro. This variant along with a second variant in this gene was reported in one individual with Dubin-Johnson Syndrome (Liu et al. 2023. PubMed ID: 36406324). This variant is reported in 0.011% of alleles in individuals of East Asian descent in gnomAD. This variant could be pathogenic. At this time, the clinical significance of this variant is uncertain due to the absence of conclusive functional and genetic evidence.

Genesolutions, Medical Genetics Institutes, Ho Chi Minh City, Vietnam
Classification: Uncertain significance for Dubin-Johnson syndrome. Last evaluated: 2025-09-24. Review status: criteria provided, single submitter. Criteria: ACMG Guidelines, 2015. Collection method: clinical testing. Allele origin: germline. Affected: yes.

Eurofins Ntd Llc (ga)
Classification: Uncertain significance. Last evaluated: 2017-10-13. Review status: criteria provided, single submitter. Criteria: EGL Classification Definitions 2015. Collection method: clinical testing. Allele origin: germline. Observed: 2 variant alleles, 2 heterozygotes.

NM_000392.5(ABCC2):c.2201T>C (p.Leu734Pro)

Gene: ABCC2 (ATP binding cassette subfamily C member 2; plus strand). Cytogenetic location: 10q24.2.
Variant type: single nucleotide variant.
Coding change: c.2201T>C on transcript NM_000392.5 (MANE Select); coding-DNA position 2201, T replaced by C.
Protein change: p.Leu734Pro; replaces leucine 734 with proline.
Molecular consequence: missense variant.
Genome position (GRCh38, 1-based): chr10:99,817,414, T>C. VCF-style: chr10-99817414-T-C. GRCh37 (hg19) VCF-style: chr10-101577171-T-C.
Other names: c.2201T>C (NM_000392.4); c.2201T>C, p.Leu734Pro (LRG_1208t1); short protein forms L734P.
Identifiers: ClinVar variation 594488 (VCV000594488.7), dbSNP rs745982246, ClinGen allele CA5643414.